The following is an entry in ClinVar:

NM_183235.3(RAB27A):c.542T>A (p.Ile181Lys)

Gene: RAB27A (RAB27A, member RAS oncogene family; minus strand). Cytogenetic location: 15q21.3.
Variant type: single nucleotide variant.
Coding change: c.542T>A on transcript NM_183235.3 (MANE Select); coding-DNA position 542, T replaced by A.
Protein change: p.Ile181Lys; replaces isoleucine 181 with lysine.
Molecular consequence: missense variant.
Genome position (GRCh38, 1-based): chr15:55,205,631, A>T on the plus strand (T>A on the coding strand, the complement: RAB27A is on the minus strand). VCF-style: chr15-55205631-A-T. GRCh37 (hg19) VCF-style: chr15-55497829-A-T.
Other names: c.542T>A, p.Ile181Lys (NM_004580.5, NM_183234.3, NM_183236.3); short protein forms I181K.
Identifiers: ClinVar variation 1718882 (VCV001718882.5), dbSNP rs762174469, ClinGen allele CA7573537.

ClinVar aggregate classification (germline): Uncertain significance (1 of 4 stars; one submission).

Conditions:
Griscelli syndrome type 2 (GS2). Also called: GRISCELLI SYNDROME WITH HEMOPHAGOCYTIC SYNDROME; PAID SYNDROME; PARTIAL ALBINISM AND IMMUNODEFICIENCY SYNDROME. Identifiers: Orphanet 381, Orphanet 79477, MedGen C1868679, MONDO:0011872, OMIM 607624.

Allele frequency attached by ClinVar (database versions not stated): gnomAD exomes below 0.00001; ExAC 0.00001.
gnomAD v4.1: 2 of 1,614,132 alleles (0.00012%); highest among the groups gnomAD compares: South Asian, 0.0022%; no homozygotes.

Submission:

Labcorp Genetics (formerly Invitae), Labcorp
Classification: Uncertain significance for Griscelli syndrome type 2. Last evaluated: 2022-09-20. Review status: criteria provided, single submitter. Criteria: Invitae Variant Classification Sherloc (09022015). Collection method: clinical testing. Allele origin: germline.
Comment: In summary, the available evidence is currently insufficient to determine the role of this variant in disease. Therefore, it has been classified as a Variant of Uncertain Significance. This missense change has been observed in individual(s) with clinical features of Griscelli syndrome (Invitae). Algorithms developed to predict the effect of missense changes on protein structure and function (SIFT, PolyPhen-2, Align-GVGD) all suggest that this variant is likely to be disruptive. This variant is present in population databases (rs762174469, gnomAD 0.003%). This sequence change replaces isoleucine, which is neutral and non-polar, with lysine, which is basic and polar, at codon 181 of the RAB27A protein (p.Ile181Lys).